The following is an entry in ClinVar:

NM_000222.3(KIT):c.1424A>T (p.Gln475Leu)

Gene: KIT (KIT proto-oncogene, receptor tyrosine kinase; plus strand). Cytogenetic location: 4q12.
Variant type: single nucleotide variant.
Coding change: c.1424A>T on transcript NM_000222.3 (MANE Select); coding-DNA position 1424, A replaced by T.
Protein change: p.Gln475Leu; replaces glutamine 475 with leucine.
Molecular consequence: missense variant.
Genome position (GRCh38, 1-based): chr4:54,725,934, A>T. VCF-style: chr4-54725934-A-T. GRCh37 (hg19) VCF-style: chr4-55592100-A-T.
Other names: c.1424A>T, p.Gln475Leu (NM_001093772.2, NM_001385285.1, NM_001385286.1); c.1427A>T, p.Gln476Leu (NM_001385284.1, NM_001385288.1, NM_001385290.1 and 1 more transcripts); short protein forms Q475L, Q476L.
Identifiers: ClinVar variation 665353 (VCV000665353.9), dbSNP rs1577992299, ClinGen allele CA356906363.
Genomic context (GRCh38, chr4:54,725,934, plus strand): 5'-TGCCAGTGGATGTGCAGACACTAAACTCATCTGGGCCACCGTTTGGAAAGCTAGTGGTTC[A>T]GAGTTCTATAGATTCTAGTGCATTCAAGCACAATGGCACGGTTGAATGTAAGGCTTACAA-3'
Protein context (NP_000213.1, residues 465-485): SGPPFGKLVV[Gln475Leu]SSIDSSAFKH

ClinVar aggregate classification (germline): Uncertain significance (1 of 4 stars; one submission).

Conditions:
Gastrointestinal stromal tumor. Also called: Gastrointestinal stromal tumor, somatic; Gastrointestinal stroma tumor. Identifiers: Orphanet 44890, MedGen C0238198, MeSH D046152, MONDO:0011719, OMIM 606764, HP:0100723.

Submission:

Labcorp Genetics (formerly Invitae), Labcorp
Classification: Uncertain significance for Gastrointestinal stromal tumor. Last evaluated: 2023-12-29. Review status: criteria provided, single submitter. Criteria: Invitae Variant Classification Sherloc (09022015). Collection method: clinical testing. Allele origin: germline.
Comment: This sequence change replaces glutamine, which is neutral and polar, with leucine, which is neutral and non-polar, at codon 475 of the KIT protein (p.Gln475Leu). This variant is not present in population databases (gnomAD no frequency). This variant has not been reported in the literature in individuals affected with KIT-related conditions. ClinVar contains an entry for this variant (Variation ID: 665353). An algorithm developed to predict the effect of missense changes on protein structure and function (PolyPhen-2) suggests that this variant is likely to be tolerated. In summary, the available evidence is currently insufficient to determine the role of this variant in disease. Therefore, it has been classified as a Variant of Uncertain Significance.